The following is an entry in ClinVar:

ClinVar aggregate classification (germline): Conflicting classifications of pathogenicity. Review status: criteria provided, conflicting classifications (1 of 4 stars). 8 submissions from 8 submitters: Uncertain significance (7); Likely benign (1). Last evaluated 2025-11-10.

Conditions:
Hereditary cancer-predisposing syndrome. Also called: Hereditary Cancer Syndrome; Neoplastic Syndromes, Hereditary; Tumor predisposition; Hereditary neoplastic syndrome. Identifiers: Orphanet 140162, MedGen C0027672, MeSH D009386, MONDO:0015356.
Hereditary diffuse gastric adenocarcinoma (HDGC). Also called: DIFFUSE GASTRIC AND LOBULAR BREAST CANCER SYNDROME. Identifiers: Orphanet 26106, MedGen C1708349, MONDO:0007648, OMIM 137215.
Familial cancer of breast. Also called: BREAST CANCER, FAMILIAL; Hereditary breast cancer; hereditary breast carcinoma. Identifiers: Orphanet 227535, MedGen C0346153, MONDO:0016419, OMIM 114480. Disease mechanism: loss of function.

Allele frequency attached by ClinVar (database versions not stated): gnomAD exomes 0.00001 and 0.00002; ExAC 0.00002; gnomAD 0.00004.
gnomAD v4.1: 23 of 1,613,980 alleles (0.0014%); highest among the groups gnomAD compares: Admixed American, 0.0033%; no homozygotes.

Submissions (8):

Labcorp Genetics (formerly Invitae), Labcorp
Classification: Uncertain significance for Hereditary diffuse gastric adenocarcinoma. Last evaluated: 2025-11-10. Review status: criteria provided, single submitter. Criteria: Invitae Variant Classification Sherloc (09022015). Collection method: clinical testing. Allele origin: germline.
Comment: This sequence change replaces arginine, which is basic and polar, with glutamine, which is neutral and polar, at codon 598 of the CDH1 protein (p.Arg598Gln). This variant is present in population databases (rs780759537, gnomAD 0.01%). This missense change has been observed in individual(s) with breast cancer (PMID: 25186627, 35534704). ClinVar contains an entry for this variant (Variation ID: 188221). An algorithm developed to predict the effect of missense changes on protein structure and function (PolyPhen-2) suggests that this variant is likely to be tolerated. In summary, the available evidence is currently insufficient to determine the role of this variant in disease. Therefore, it has been classified as a Variant of Uncertain Significance.

GeneDx
Classification: Uncertain significance. Last evaluated: 2025-09-17. Review status: criteria provided, single submitter. Criteria: GeneDx Variant Classification Process June 2021. Collection method: clinical testing. Allele origin: germline. Affected: yes.
Comment: In silico analysis suggests that this missense variant does not alter protein structure/function; Observed in individuals with breast cancer (PMID: 25186627, 36436516, 35534704); This variant is associated with the following publications: (PMID: 10094558, 22788692, 9744472, 10896919, 27925203, 12647996, 30287823, 29641532, 28944238, 36063148, 36243179, 36436516, 15235021, 22850631, 35534704, 25186627)

Quest Diagnostics Nichols Institute San Juan Capistrano
Classification: Uncertain significance. Last evaluated: 2025-05-23. Review status: criteria provided, single submitter. Criteria: Quest Diagnostics criteria. Collection method: clinical testing. Allele origin: unknown.
Comment: The CDH1 c.1793G>A (p.Arg598Gln) variant has been reported in the published literature in a family that met 2020 HDGC criteria (PMID: 36436516 (2023)) as well as individuals affected with breast cancer (PMID: 35534704 (2022), 33471991 (2021), see also LOVD), endometrial cancer (PMID: 31054147 (2019)), diffuse gastric cancer and colorectal cancer (PMID: 10896919 (2000)). This variant has also been identified in reportedly unaffected individuals (PMID: 36243179 (2022), 32658311 (2021), 30287823 (2018), 29641532 (2018)). In addition, this variant has been reported as a somatic variant in individuals affected with breast cancer and diffuse gastric cancer (PMID: 10094558 (1999)). The frequency of this variant in the general population (Genome Aggregation Database) is higher than would generally be expected for pathogenic variants in this gene. Analysis of this variant using bioinformatics tools for the prediction of the effect of amino acid changes on protein structure and function yielded predictions that this variant is benign. Based on the available information, we are unable to determine the clinical significance of this variant.

Color Diagnostics, LLC DBA Color Health
Classification: Uncertain significance for Hereditary cancer-predisposing syndrome. Last evaluated: 2024-08-05. Review status: criteria provided, single submitter. Criteria: ACMG Guidelines, 2015. Collection method: clinical testing. Allele origin: germline.
Comment: This missense variant replaces arginine with glutamine at codon 598 of the CDH1 protein. To our knowledge, functional studies have not been reported for this variant. This variant has been observed in a tumor sample from an individual affected with diffuse gastric cancer (PMID: 9744472, 10094558), in individuals affected with breast cancer (PMID: 25186627, 33471991, 35534704), and in unaffected control individuals (PMID: 30287823, 36243179). This variant has been identified in 7/282886 chromosomes in the general population by the Genome Aggregation Database (gnomAD). The available evidence is insufficient to determine the role of this variant in disease conclusively. Therefore, this variant is classified as a Variant of Uncertain Significance.

Women's Health and Genetics/Laboratory Corporation of America, LabCorp
Classification: Uncertain significance. Last evaluated: 2023-11-08. Review status: criteria provided, single submitter. Criteria: LabCorp Variant Classification Summary - May 2015. Collection method: clinical testing. Allele origin: germline.
Comment: Variant summary: CDH1 c.1793G>A (p.Arg598Gln) results in a conservative amino acid change located in the Cadherin-like (IPR002126) of the encoded protein sequence. Four of five in-silico tools predict a benign effect of the variant on protein function. The variant allele was found at a frequency of 2.3e-05 in 352614 control chromosomes (gnomAD, Momozawa_2018, Akcay_2021, Okawa_2023). The available data on variant occurrences in the general population are insufficient to allow any conclusion about variant significance. c.1793G>A has been reported in the literature in individuals affected with breast cancer or endometrial cancer without strong evidence of causality (Tung_2015, Tian_2019, Dorling_2021, de Oliveira_2022). These reports do not provide unequivocal conclusions about association of the variant with Hereditary Diffuse Gastric Cancer. To our knowledge, no experimental evidence demonstrating an impact on protein function has been reported. The following publications have been ascertained in the context of this evaluation (PMID: 32658311, 30287823, 33471991, 36243179, 35534704, 31054147, 25186627). Five submitters have cited clinical-significance assessments for this variant to ClinVar after 2014, and classified it as uncertain significance (n=4) or likely benign (n=1). Based on the evidence outlined above, the variant was classified as uncertain significance.

Baylor Genetics
Classification: Uncertain significance for Familial cancer of breast. Last evaluated: 2023-09-13. Review status: criteria provided, single submitter. Criteria: ACMG Guidelines, 2015. Collection method: clinical testing. Allele origin: unknown.

European Reference Network on Genetic Tumour Risk Syndromes (ERN-GENTURIS), i3s - Instituto de Investigação e Inovação em Saúde, University of Porto
Classification: Uncertain significance for Hereditary diffuse gastric adenocarcinoma. Last evaluated: 2022-08-01. Review status: criteria provided, single submitter. Criteria: Lee et al. (Hum Mutat. 2018). Collection method: clinical testing. Allele origin: germline. Inheritance: Autosomal dominant inheritance. Affected: yes. Study: ERN GENTURIS.
Comment: Not applicable criteria (PMID: 30311375)

Ambry Genetics
Classification: Likely benign for Hereditary cancer-predisposing syndrome. Last evaluated: 2021-04-25. Review status: criteria provided, single submitter. Criteria: Ambry Variant Classification Scheme 2023. Collection method: clinical testing. Allele origin: germline.

Literature cited by the submitters: PubMed 25186627 (cited by 5 submitters); PubMed 35534704 (cited by 4 submitters); PubMed 30287823 (cited by 4 submitters); PubMed 27925203 (cited by Quest Diagnostics Nichols Institute San Juan Capistrano and Ambry Genetics); PubMed 22788692 (cited by Quest Diagnostics Nichols Institute San Juan Capistrano); PubMed 10896919 (cited by Quest Diagnostics Nichols Institute San Juan Capistrano); PubMed 10094558 (cited by 3 submitters); PubMed 28944238 (cited by Quest Diagnostics Nichols Institute San Juan Capistrano); PubMed 29641532 (cited by Quest Diagnostics Nichols Institute San Juan Capistrano and Ambry Genetics); PubMed 33471991 (cited by 3 submitters); PubMed 31054147 (cited by Quest Diagnostics Nichols Institute San Juan Capistrano and Women's Health and Genetics/Laboratory Corporation of America, LabCorp); PubMed 32658311 (cited by Quest Diagnostics Nichols Institute San Juan Capistrano and Women's Health and Genetics/Laboratory Corporation of America, LabCorp); PubMed 36243179 (cited by 3 submitters); PubMed 36436516 (cited by Quest Diagnostics Nichols Institute San Juan Capistrano and European Reference Network on Genetic Tumour Risk Syndromes (ERN-GENTURIS), i3s - Instituto de Investigação e Inovação em Saúde, University of Porto); PubMed 9744472 (cited by Color Diagnostics, LLC DBA Color Health).

NM_004360.5(CDH1):c.1793G>A (p.Arg598Gln)

Gene: CDH1 (cadherin 1; plus strand). Cytogenetic location: 16q22.1.
Variant type: single nucleotide variant.
Coding change: c.1793G>A on transcript NM_004360.5 (MANE Select); coding-DNA position 1793, G replaced by A.
Protein change: p.Arg598Gln; replaces arginine 598 with glutamine.
Molecular consequence: missense variant. On other transcripts: 5 prime UTR variant (1).
Genome position (GRCh38, 1-based): chr16:68,822,082, G>A. VCF-style: chr16-68822082-G-A. GRCh37 (hg19) VCF-style: chr16-68855985-G-A.
Other names: c.1610G>A, p.Arg537Gln (NM_001317184.2); c.245G>A, p.Arg82Gln (NM_001317185.2); c.-173G>A (NM_001317186.2); c.1793G>A (LRG_301t1); short protein forms R598Q, R537Q, R82Q.
Identifiers: ClinVar variation 188221 (VCV000188221.32), dbSNP rs780759537, ClinGen allele CA334368.